The following is an entry in ClinVar:

ClinVar aggregate classification (germline): Conflicting classifications of pathogenicity. Review status: criteria provided, conflicting classifications (1 of 4 stars). 6 submissions from 6 submitters: Likely pathogenic (1); Uncertain significance (5). Last evaluated 2026-05-11.

Conditions:
ACO2-related disorder. Also called: ACO2-Related Disorders.
Inborn genetic diseases. Identifiers: MedGen C0950123, MeSH D030342.

Allele frequency attached by ClinVar (database versions not stated): gnomAD exomes 0.00001 and 0.00002; TOPMed 0.00001; gnomAD 0.00002 and 0.00005; ExAC 0.00005; 1000 Genomes Project 30x 0.00062; 1000 Genomes Project 0.00080.
gnomAD v4.1: 30 of 1,613,890 alleles (0.0019%); highest among the groups gnomAD compares: African/African-American, 0.027%; no homozygotes.

Submissions (6):

PreventionGenetics, part of Exact Sciences
Classification: Uncertain significance for ACO2-related condition. Last evaluated: 2026-05-11. Review status: criteria provided, single submitter. Criteria: ACMG Guidelines, 2015. Collection method: clinical testing. Allele origin: germline.
Comment: The ACO2 c.988C>T variant is predicted to result in the amino acid substitution p.Pro330Ser. This variant has been reported with a second ACO2 frameshift variant in an individual with features of infantile cerebellar-retinal degeneration (Lail et al. 2023. PubMed ID: 37460232). This variant is reported in 0.020% of alleles in individuals of African descent in gnomAD. At this time, the clinical significance of this variant is uncertain due to the absence of conclusive functional and genetic evidence.

Labcorp Genetics (formerly Invitae), Labcorp
Classification: Uncertain significance. Last evaluated: 2025-12-30. Review status: criteria provided, single submitter. Criteria: Invitae Variant Classification Sherloc (09022015). Collection method: clinical testing. Allele origin: germline.
Comment: This sequence change replaces proline, which is neutral and non-polar, with serine, which is neutral and polar, at codon 330 of the ACO2 protein (p.Pro330Ser). This variant is present in population databases (rs150129663, gnomAD 0.02%). This missense change has been observed in individual(s) with clinical features of autosomal recessive infantile cerebellar-retinal degeneration (PMID: 37460232). In at least one individual the data is consistent with being in trans (on the opposite chromosome) from a pathogenic variant. ClinVar contains an entry for this variant (Variation ID: 520988). Invitae Evidence Modeling of protein sequence and biophysical properties (such as structural, functional, and spatial information, amino acid conservation, physicochemical variation, residue mobility, and thermodynamic stability) indicates that this missense variant is not expected to disrupt ACO2 protein function with a negative predictive value of 80%. In summary, the available evidence is currently insufficient to determine the role of this variant in disease. Therefore, it has been classified as a Variant of Uncertain Significance.

Women's Health and Genetics/Laboratory Corporation of America, LabCorp
Classification: Uncertain significance. Last evaluated: 2024-12-24. Review status: criteria provided, single submitter. Criteria: LabCorp Variant Classification Summary - May 2015. Collection method: clinical testing. Allele origin: germline.
Comment: Variant summary: ACO2 c.988C>T (p.Pro330Ser) results in a non-conservative amino acid change located in the Aconitase iron-sulfur domain (IPR036008) of the encoded protein sequence. Four of five in-silico tools predict a benign effect of the variant on protein function. The variant allele was found at a frequency of 1.6e-05 in 251352 control chromosomes. The available data on variant occurrences in the general population are insufficient to allow any conclusion about variant significance. c.988C>T has been reported in the literature in at least one compound heterozygous individual affected with ACO2-Related Disorders (Lail_2023). These data do not allow any conclusion about variant significance. To our knowledge, no experimental evidence demonstrating an impact on protein function has been reported. The following publication has been ascertained in the context of this evaluation (PMID: 37460232). ClinVar contains an entry for this variant (Variation ID: 520988). Based on the evidence outlined above, the variant was classified as uncertain significance.

Blueprint Genetics
Classification: Uncertain significance. Last evaluated: 2024-07-24. Review status: criteria provided, single submitter. Criteria: ACMG Guidelines, 2015. Collection method: clinical testing. Allele origin: germline.

Ambry Genetics
Classification: Likely pathogenic for Inborn genetic diseases. Last evaluated: 2024-04-01. Review status: criteria provided, single submitter. Criteria: Ambry Variant Classification Scheme 2023. Collection method: clinical testing. Allele origin: germline.
Comment: The c.988C>T (p.P330S) alteration is located in exon 8 (coding exon 8) of the ACO2 gene. This alteration results from a C to T substitution at nucleotide position 988, causing the proline (P) at amino acid position 330 to be replaced by a serine (S). Based on data from gnomAD, the T allele has an overall frequency of 0.002% (5/282722) total alleles studied. The highest observed frequency was 0.02% (5/24964) of African alleles. This variant has been identified in conjunction with another ACO2 variant in an individual with a personal and family history of global developmental delay, abnormal eye movements, and suspected seizure episodes, and with a personal history of hypotonia, maculopathy and retinal dystrophy, absent speech, and other clinical features consistent with ACO2-related infantile cerebellar-retinal degeneration (Lail, 2023). This amino acid position is not well conserved in available vertebrate species. This alteration is predicted to be tolerated by in silico analysis. Based on the available evidence, this alteration is classified as likely pathogenic.

GeneDx
Classification: Uncertain significance. Last evaluated: 2021-03-12. Review status: criteria provided, single submitter. Criteria: GeneDx Variant Classification Process June 2021. Collection method: clinical testing. Allele origin: germline. Affected: yes.
Comment: In silico analysis supports that this missense variant does not alter protein structure/function; Has not been previously published as pathogenic or benign to our knowledge

Literature cited by the submitters: PubMed 37460232 (cited by 3 submitters).

NM_001098.3(ACO2):c.988C>T (p.Pro330Ser)

Gene: ACO2 (aconitase 2; plus strand). Cytogenetic location: 22q13.2.
Variant type: single nucleotide variant.
Coding change: c.988C>T on transcript NM_001098.3 (MANE Select); coding-DNA position 988, C replaced by T.
Protein change: p.Pro330Ser; replaces proline 330 with serine.
Molecular consequence: missense variant.
Genome position (GRCh38, 1-based): chr22:41,518,528, C>T. VCF-style: chr22-41518528-C-T. GRCh37 (hg19) VCF-style: chr22-41914532-C-T.
Other names: short protein forms P330S.
Identifiers: ClinVar variation 520988 (VCV000520988.15), dbSNP rs150129663, ClinGen allele CA10257528.